The following is an entry in ClinVar:

ClinVar aggregate classification (germline): Pathogenic (1 of 4 stars; one submission).

Conditions:
Autosomal recessive severe congenital neutropenia due to G6PC3 deficiency. Also called: NEUTROPENIA, SEVERE CONGENITAL, 4, AUTOSOMAL RECESSIVE; G6PC3 Deficiency. Identifiers: Orphanet 331176, MedGen C2751630, MONDO:0012930, OMIM 612541.

Allele frequency attached by ClinVar (database versions not stated): gnomAD exomes below 0.00001; TOPMed below 0.00001.

Submission:

Labcorp Genetics (formerly Invitae), Labcorp
Classification: Pathogenic for Autosomal recessive severe congenital neutropenia due to G6PC3 deficiency. Last evaluated: 2024-12-24. Review status: criteria provided, single submitter. Criteria: Invitae Variant Classification Sherloc (09022015). Collection method: clinical testing. Allele origin: germline.
Comment: This sequence change creates a premature translational stop signal (p.Phe71Serfs*45) in the G6PC3 gene. It is expected to result in an absent or disrupted protein product. Loss-of-function variants in G6PC3 are known to be pathogenic (PMID: 19118303, 25491320). This variant is present in population databases (no rsID available, gnomAD 0.0009%). This variant has not been reported in the literature in individuals affected with G6PC3-related conditions. ClinVar contains an entry for this variant (Variation ID: 2777278). For these reasons, this variant has been classified as Pathogenic.

Literature cited by the submitters: PubMed 19118303; PubMed 25491320.

NM_138387.4(G6PC3):c.210_213del (p.Phe71fs)

Genes: G6PC3 (glucose-6-phosphatase catalytic subunit 3; plus strand), LOC130060959 (ATAC-STARR-seq lymphoblastoid active region 12250; plus strand). Cytogenetic location: 17q21.31.
Variant type: Deletion.
Coding change: c.210_213del on transcript NM_138387.4 (MANE Select); coding-DNA positions 210 to 213, 4 bases deleted (CTTC; older notation c.210_213delCTTC).
Protein change: p.Phe71fs; shifts the reading frame from phenylalanine 71.
Molecular consequence: frameshift variant. On other transcripts: 5 prime UTR variant (3), intron variant (1).
Genome position (GRCh38, 1-based): chr17:44,071,175-44,071,178, CTTC deleted. VCF-style (leftmost placement, unchanged base first): chr17-44071174-TCTTC-T. GRCh37 (hg19) VCF-style: chr17-42148542-TCTTC-T.
Other names: c.210_213del, p.Phe71fs (NM_001319945.2); c.-195_-192del (NM_001384165.1); c.-330_-327del (NM_001384166.1); c.-320_-317del (NM_001384167.1); c.-311-453_-311-450del (NM_001384168.1); short protein forms F71fs.
Identifiers: ClinVar variation 2777278 (VCV002777278.3), dbSNP rs1567967721, ClinGen allele CA626222689.